The following is an entry in ClinVar:

GRCh37/hg19 Xp21.1(chrX:32456306-32536299)x1

Gene: DMD (dystrophin; minus strand). Cytogenetic location: Xp21.1.
Variant type: copy number loss.
Change: copy number 1 of chrX:32,456,306-32,536,299 (80.0 kb, GRCh37 coordinates, 1-based), cytogenetic band Xp21.1.
Identifiers: ClinVar variation 3338465 (VCV003338465.1).

ClinVar aggregate classification (germline): Likely pathogenic (0 of 4 stars; one submission).

Conditions:
Becker muscular dystrophy (BMD). Also called: MUSCULAR DYSTROPHY, PSEUDOHYPERTROPHIC PROGRESSIVE, BECKER TYPE; Becker Muscular Dystrophy (BMD). Identifiers: Orphanet 98895, MedGen C0917713, MONDO:0010311, OMIM 300376.

Submission:

Solve-RD Consortium
Classification: Likely pathogenic for Becker muscular dystrophy. Last evaluated: 2024-06-01. Review status: no assertion criteria provided. Collection method: provider interpretation. Allele origin: germline. Affected: yes.
Comment: This CNV was confirmed by the submitting clinician to impact a gene that corresponds with the phenotype of the affected individual, and thus deemed to be causative for their condition.

Literature cited by the submitters: PubMed 39825153.